The following is an entry in ClinVar:

NM_022436.3(ABCG5):c.965del (p.Val322fs)

Genes: ABCG5 (ATP binding cassette subfamily G member 5; minus strand), DYNC2LI1 (dynein cytoplasmic 2 light intermediate chain 1; plus strand). Cytogenetic location: 2p21.
Variant type: Deletion.
Coding change: c.965del on transcript NM_022436.3 (MANE Select); coding-DNA position 965, one base deleted (T; older notation c.965delT).
Protein change: p.Val322fs; shifts the reading frame from valine 322.
Molecular consequence: frameshift variant. On other transcripts: intron variant (2).
Genome position (GRCh38, 1-based): chr2:43,824,372, A deleted on the plus strand (T on the coding strand, the reverse complement: ABCG5 is on the minus strand). VCF-style (leftmost placement, unchanged base first): chr2-43824371-GA-G. GRCh37 (hg19) VCF-style: chr2-44051510-GA-G.
Other names: c.*16-3014del (NM_001348913.2, NM_001348912.2); short protein forms V322fs.
Identifiers: ClinVar variation 4999726 (VCV004999726.1).
Genomic context (GRCh38, chr2:43,824,371, plus strand): 5'-AATATTCTTCAAAGTTTTATGACAAATTGCTGATTTCTTGTAGGCAGATTCTATCATCTG[GA>G]CTCTCTTGGAGGTTTCTATTTCCCGTTCCTTGCTTTGGGTATCCACTGACGTCAGGTCCA-3'

ClinVar aggregate classification (germline): Likely pathogenic (1 of 4 stars; one submission).

Conditions:
ABCG5-related disorder. Also called: ABCG5-related condition.

Submission:

PreventionGenetics, part of Exact Sciences
Classification: Likely pathogenic for ABCG5-related condition. Last evaluated: 2025-02-05. Review status: criteria provided, single submitter. Criteria: ACMG Guidelines, 2015. Collection method: clinical testing. Allele origin: germline.
Comment: The ABCG5 c.965delT variant is predicted to result in a frameshift and premature protein termination (p.Val322Alafs*3). To our knowledge, this variant has not been reported in the literature or in a large population database (gnomAD), indicating this variant is rare. Frameshift variants in ABCG5 are expected to be pathogenic. This variant is interpreted as likely pathogenic.